The following is an entry in ClinVar:

ClinVar aggregate classification (germline): Uncertain significance. Review status: criteria provided, multiple submitters, no conflicts (2 of 4 stars). 2 submissions from 2 submitters: Uncertain significance (2). Last evaluated 2026-02-05.

Conditions:
Cardiovascular phenotype. Identifiers: MedGen CN230736.
Long QT syndrome (LQTS). Identifiers: MedGen C0023976, MeSH D008133, MONDO:0002442. Disease mechanism: loss of function. Inheritance: Various modes of inheritance.

Allele frequency attached by ClinVar (database versions not stated): gnomAD exomes below 0.00001 and 0.00001; gnomAD 0.00001; TOPMed 0.00001.
gnomAD v4.1: 5 of 1,613,728 alleles (0.00031%); highest among the groups gnomAD compares: Non-Finnish European, 0.00042%; no homozygotes.

Submissions (2):

Ambry Genetics
Classification: Uncertain significance for Cardiovascular phenotype. Last evaluated: 2026-02-05. Review status: criteria provided, single submitter. Criteria: Ambry Variant Classification Scheme 2023. Collection method: clinical testing. Allele origin: germline.
Comment: The p.I1373V variant (also known as c.4117A>G), located in coding exon 33 of the CACNA1C gene, results from an A to G substitution at nucleotide position 4117. The isoleucine at codon 1373 is replaced by valine, an amino acid with highly similar properties. This amino acid position is highly conserved in available vertebrate species. In addition, this alteration is predicted to be deleterious by in silico analysis. Based on the available evidence, the clinical significance of this variant remains unclear.

Labcorp Genetics (formerly Invitae), Labcorp
Classification: Uncertain significance for Long QT syndrome. Last evaluated: 2025-11-21. Review status: criteria provided, single submitter. Criteria: Invitae Variant Classification Sherloc (09022015). Collection method: clinical testing. Allele origin: germline.
Comment: This sequence change replaces isoleucine, which is neutral and non-polar, with valine, which is neutral and non-polar, at codon 1373 of the CACNA1C protein (p.Ile1373Val). This variant is present in population databases (no rsID available, gnomAD 0.0009%). This variant has not been reported in the literature in individuals affected with CACNA1C-related conditions. ClinVar contains an entry for this variant (Variation ID: 652839). Invitae Evidence Modeling of protein sequence and biophysical properties (such as structural, functional, and spatial information, amino acid conservation, physicochemical variation, residue mobility, and thermodynamic stability) has been performed for this missense variant. However, the output from this modeling did not meet the statistical confidence thresholds required to predict the impact of this variant on CACNA1C protein function. In summary, the available evidence is currently insufficient to determine the role of this variant in disease. Therefore, it has been classified as a Variant of Uncertain Significance.

NM_000719.7(CACNA1C):c.4117A>G (p.Ile1373Val)

Gene: CACNA1C (calcium voltage-gated channel subunit alpha1 C; plus strand). Cytogenetic location: 12p13.33.
Variant type: single nucleotide variant.
Coding change: c.4117A>G on transcript NM_000719.7 (MANE Select); coding-DNA position 4117, A replaced by G.
Protein change: p.Ile1373Val; replaces isoleucine 1373 with valine.
Molecular consequence: missense variant.
Genome position (GRCh38, 1-based): chr12:2,653,877, A>G. VCF-style: chr12-2653877-A-G. GRCh37 (hg19) VCF-style: chr12-2763043-A-G.
Other names: c.4261A>G, p.Ile1421Val (NM_001129827.2, NM_199460.4); c.4183A>G, p.Ile1395Val (NM_001129829.2); c.4117A>G, p.Ile1373Val (NM_001129830.3, NM_001129833.2, NM_001129834.2 and 7 more transcripts); c.4201A>G, p.Ile1401Val (NM_001129831.2); c.4177A>G, p.Ile1393Val (NM_001129832.2); c.4168A>G, p.Ile1390Val (NM_001129836.2); c.4084A>G, p.Ile1362Val (NM_001129837.2, NM_001129838.2, NM_001129846.2 and 1 more transcripts); c.4078A>G, p.Ile1360Val (NM_001129839.2); and 1 more; short protein forms I1362V, I1370V, I1360V, I1390V, I1395V, I1401V, I1421V, I1393V.
Identifiers: ClinVar variation 652839 (VCV000652839.10), dbSNP rs1272308907, ClinGen allele CA383374009.